The following is an entry in ClinVar:

NM_198129.4(LAMA3):c.6202-2A>T

Gene: LAMA3 (laminin subunit alpha 3; plus strand). Cytogenetic location: 18q11.2.
Variant type: single nucleotide variant.
Coding change: c.6202-2A>T on transcript NM_198129.4 (MANE Select); the canonical splice acceptor site of the intron before coding-DNA position 6202, A replaced by T.
Molecular consequence: splice acceptor variant.
Genome position (GRCh38, 1-based): chr18:23,903,007, A>T. VCF-style: chr18-23903007-A-T. GRCh37 (hg19) VCF-style: chr18-21482971-A-T.
Other names: c.6034-2A>T (NM_001127717.4); c.1375-2A>T (NM_000227.6); c.1207-2A>T (NM_001127718.4).
Identifiers: ClinVar variation 2098726 (VCV002098726.4), dbSNP rs751684559, ClinGen allele CA8916308.
Genomic context (GRCh38, chr18:23,903,007, plus strand): 5'-TTTGTCTATGCCTTCTGATAATATATCATAGAGCTCAAGCAATTTTTTTTTATTTTCTCC[A>T]GAGACAAGTGAAAGAAATAAATTCCCTGCAGAGTGATTTCACCAAGTATCTAACCACTGC-3'

ClinVar aggregate classification (germline): Likely pathogenic (1 of 4 stars; one submission).

Allele frequency attached by ClinVar (database versions not stated): gnomAD exomes below 0.00001; ExAC 0.00002.
gnomAD v4.1: 2 of 1,577,234 alleles (0.00013%); no homozygotes.

Submission:

Labcorp Genetics (formerly Invitae), Labcorp
Classification: Likely pathogenic. Last evaluated: 2022-02-18. Review status: criteria provided, single submitter. Criteria: Invitae Variant Classification Sherloc (09022015). Collection method: clinical testing. Allele origin: germline.
Comment: Algorithms developed to predict the effect of sequence changes on RNA splicing suggest that this variant may disrupt the consensus splice site. In summary, the currently available evidence indicates that the variant is pathogenic, but additional data are needed to prove that conclusively. Therefore, this variant has been classified as Likely Pathogenic. This variant has not been reported in the literature in individuals affected with LAMA3-related conditions. This variant is present in population databases (rs751684559, gnomAD 0.009%). This sequence change affects an acceptor splice site in intron 11 of the LAMA3 gene. It is expected to disrupt RNA splicing. Variants that disrupt the donor or acceptor splice site typically lead to a loss of protein function (PMID: 16199547), and loss-of-function variants in LAMA3 are known to be pathogenic (PMID: 10366601, 11810295, 12915477, 16473856, 17362460, 22434185, 23869449, 27827380, 28087116).

Literature cited by the submitters: PubMed 16199547; PubMed 10366601; PubMed 11810295; PubMed 12915477; PubMed 16473856; PubMed 17362460; PubMed 22434185; PubMed 23869449; PubMed 27827380; PubMed 28087116.